The following is an entry in ClinVar:

NM_002500.5(NEUROD1):c.931del (p.Ala311fs)

Gene: NEUROD1 (neuronal differentiation 1; minus strand). Cytogenetic location: 2q31.3.
Variant type: Deletion.
Coding change: c.931del on transcript NM_002500.5 (MANE Select); coding-DNA position 931, one base deleted (G; older notation c.931delG).
Protein change: p.Ala311fs; shifts the reading frame from alanine 311.
Molecular consequence: frameshift variant.
Genome position (GRCh38, 1-based): chr2:181,677,930, C deleted on the plus strand (G on the coding strand, the reverse complement: NEUROD1 is on the minus strand); the first of 4 consecutive C bases (chr2:181,677,930-181,677,933); deleting any one gives the same sequence. VCF-style (leftmost placement, unchanged base first): chr2-181677929-GC-G. GRCh37 (hg19) VCF-style: chr2-182542656-GC-G.
Other names: short protein forms A311fs.
Identifiers: ClinVar variation 2028462 (VCV002028462.4), dbSNP rs769839183, ClinGen allele CA2580065243.

ClinVar aggregate classification (germline): Uncertain significance (1 of 4 stars; one submission).

Submission:

Labcorp Genetics (formerly Invitae), Labcorp
Classification: Uncertain significance. Last evaluated: 2022-09-01. Review status: criteria provided, single submitter. Criteria: Invitae Variant Classification Sherloc (09022015). Collection method: clinical testing. Allele origin: germline.
Comment: This sequence change creates a premature translational stop signal (p.Ala311Profs*20) in the NEUROD1 gene. While this is not anticipated to result in nonsense mediated decay, it is expected to disrupt the last 46 amino acid(s) of the NEUROD1 protein. This variant is not present in population databases (gnomAD no frequency). This variant has not been reported in the literature in individuals affected with NEUROD1-related conditions. Experimental studies and prediction algorithms are not available or were not evaluated, and the functional significance of this variant is currently unknown. In summary, the available evidence is currently insufficient to determine the role of this variant in disease. Therefore, it has been classified as a Variant of Uncertain Significance.